The following is an entry in ClinVar:

NM_006440.5(TXNRD2):c.1176C>T (p.Tyr392=)

Gene: TXNRD2 (thioredoxin reductase 2; minus strand). Cytogenetic location: 22q11.21.
Variant type: single nucleotide variant.
Coding change: c.1176C>T on transcript NM_006440.5 (MANE Select); coding-DNA position 1176, C replaced by T.
Protein change: p.Tyr392=; no amino-acid change (tyrosine 392 retained).
Molecular consequence: synonymous variant. On other transcripts: non-coding transcript variant (1).
Genome position (GRCh38, 1-based): chr22:19,880,628, G>A on the plus strand (C>T on the coding strand, the complement: TXNRD2 is on the minus strand). VCF-style: chr22-19880628-G-A. GRCh37 (hg19) VCF-style: chr22-19868151-G-A.
Other names: c.1173C>T, p.Tyr391= (NM_001352300.2); c.1086C>T, p.Tyr362= (NM_001352301.2); c.888C>T, p.Tyr296= (NM_001352302.2).
Identifiers: ClinVar variation 389670 (VCV000389670.12), dbSNP rs544242322, ClinGen allele CA10103774.

ClinVar aggregate classification (germline): Likely benign. Review status: criteria provided, multiple submitters, no conflicts (2 of 4 stars). 3 submissions from 3 submitters: Likely benign (3). Last evaluated 2025-11-18.

Conditions:
Cardiovascular phenotype. Identifiers: MedGen CN230736.
Primary dilated cardiomyopathy (DCM). Also called: Dilated Cardiomyopathy. Identifiers: Orphanet 217604, MedGen C0007193, MeSH D002311, MONDO:0005021, HP:0001644. Inheritance: Various modes of inheritance.

Allele frequency attached by ClinVar (database versions not stated): ExAC 0.00002; gnomAD exomes 0.00002 and 0.00003; gnomAD 0.00006 and 0.00008; TOPMed 0.00006.
gnomAD v4.1: 76 of 1,613,206 alleles (0.0047%); highest among the groups gnomAD compares: African/African-American, 0.032%; no homozygotes.

Submissions (3):

Labcorp Genetics (formerly Invitae), Labcorp
Classification: Likely benign for Primary dilated cardiomyopathy. Last evaluated: 2025-11-18. Review status: criteria provided, single submitter. Criteria: Invitae Variant Classification Sherloc (09022015). Collection method: clinical testing. Allele origin: germline.

Ambry Genetics
Classification: Likely benign for Cardiovascular phenotype. Last evaluated: 2016-12-29. Review status: criteria provided, single submitter. Criteria: Ambry Variant Classification Scheme 2023. Collection method: clinical testing. Allele origin: germline.

GeneDx
Classification: Likely benign. Last evaluated: 2016-10-06. Review status: criteria provided, single submitter. Criteria: GeneDx Variant Classification (06012015). Collection method: clinical testing. Allele origin: germline. Affected: yes.
Comment: This variant is considered likely benign or benign based on one or more of the following criteria: it is a conservative change, it occurs at a poorly conserved position in the protein, it is predicted to be benign by multiple in silico algorithms, and/or has population frequency not consistent with disease.